The following is an entry in ClinVar:

ClinVar aggregate classification (germline): Likely benign. Review status: criteria provided, multiple submitters, no conflicts (2 of 4 stars). 4 submissions from 4 submitters: Likely benign (4). Last evaluated 2026-08-01.

Allele frequency attached by ClinVar (database versions not stated): ESP Exome Variant Server 0.00077; gnomAD exomes 0.00084 and 0.00052; TOPMed 0.00051; gnomAD 0.00060 and 0.00063; ExAC 0.00068.
gnomAD v4.1: 880 of 1,614,008 alleles (0.055%); highest among the groups gnomAD compares: Non-Finnish European, 0.043%; 2 homozygotes.

Submissions (4):

CeGaT Center for Human Genetics Tuebingen
Classification: Likely benign. Last evaluated: 2026-08-01. Review status: criteria provided, single submitter. Criteria: CeGaT Center For Human Genetics Tuebingen Variant Classification Criteria Version 2. Collection method: clinical testing. Allele origin: germline. Affected: yes. Observed: 16 variant alleles.
Comment: HERC2: BP4, BP7

Blueprint Genetics
Classification: Likely benign. Last evaluated: 2024-11-27. Review status: criteria provided, single submitter. Criteria: ACMG Guidelines, 2015. Collection method: clinical testing. Allele origin: germline.

Labcorp Genetics (formerly Invitae), Labcorp
Classification: Likely benign. Last evaluated: 2019-12-31. Review status: criteria provided, single submitter. Criteria: Invitae Variant Classification Sherloc (09022015). Collection method: clinical testing. Allele origin: germline.

Breakthrough Genomics
Classification: Likely benign. Review status: criteria provided, single submitter. Criteria: ACMG Guidelines, 2015. Collection method: not provided. Allele origin: germline. Inheritance: Autosomal recessive inheritance. Affected: yes.

NM_004667.6(HERC2):c.12867C>T (p.Ile4289=)

Gene: HERC2 (HECT and RLD domain containing E3 ubiquitin protein ligase 2; minus strand). Cytogenetic location: 15q13.1.
Variant type: single nucleotide variant.
Coding change: c.12867C>T on transcript NM_004667.6 (MANE Select); coding-DNA position 12867, C replaced by T.
Protein change: p.Ile4289=; no amino-acid change (isoleucine 4289 retained).
Molecular consequence: synonymous variant.
Genome position (GRCh38, 1-based): chr15:28,125,129, G>A on the plus strand (C>T on the coding strand, the complement: HERC2 is on the minus strand). VCF-style: chr15-28125129-G-A. GRCh37 (hg19) VCF-style: chr15-28370275-G-A.
Identifiers: ClinVar variation 719299 (VCV000719299.39), dbSNP rs146760133, ClinGen allele CA7440190.